The following is an entry in ClinVar:

ClinVar aggregate classification (germline): Uncertain significance (0 of 4 stars; one submission).

Conditions:
GMPPB-related disorder. Also called: GMPPB-related condition; GMPPB-related disorders.

Submission:

PreventionGenetics, part of Exact Sciences
Classification: Uncertain significance for GMPPB-related condition. Last evaluated: 2024-06-12. Review status: no assertion criteria provided. Collection method: clinical testing. Allele origin: germline.
Comment: The GMPPB c.102G>C variant is predicted to result in the amino acid substitution p.Leu34Phe. To our knowledge, this variant has not been reported in the literature or in a large population database, indicating this variant is rare. At this time, the clinical significance of this variant is uncertain due to the absence of conclusive functional and genetic evidence.

NM_021971.4(GMPPB):c.102G>C (p.Leu34Phe)

Gene: GMPPB (GDP-mannose pyrophosphorylase B; minus strand). Cytogenetic location: 3p21.31.
Variant type: single nucleotide variant.
Coding change: c.102G>C on transcript NM_021971.4 (MANE Select); coding-DNA position 102, G replaced by C.
Protein change: p.Leu34Phe; replaces leucine 34 with phenylalanine.
Molecular consequence: missense variant.
Genome position (GRCh38, 1-based): chr3:49,723,625, C>G on the plus strand (G>C on the coding strand, the complement: GMPPB is on the minus strand). VCF-style: chr3-49723625-C-G. GRCh37 (hg19) VCF-style: chr3-49761058-C-G.
Other names: c.102G>C, p.Leu34Phe (NM_013334.4); short protein forms L34F.
Identifiers: ClinVar variation 3344960 (VCV003344960.1).